The following is an entry in ClinVar:

NM_018368.4(LMBRD1):c.1056del (p.Asn353fs)

Gene: LMBRD1 (LMBR1 domain containing 1; minus strand). Cytogenetic location: 6q13.
Variant type: Deletion.
Coding change: c.1056del on transcript NM_018368.4 (MANE Select); coding-DNA position 1056, one base deleted (G; older notation c.1056delG).
Protein change: p.Asn353fs; shifts the reading frame from asparagine 353.
Molecular consequence: frameshift variant.
Genome position (GRCh38, 1-based): chr6:69,701,470, C deleted on the plus strand (G on the coding strand, the reverse complement: LMBRD1 is on the minus strand). VCF-style (leftmost placement, unchanged base first): chr6-69701469-TC-T. GRCh37 (hg19) VCF-style: chr6-70411361-TC-T.
Other names: p.Asn353Ilefs*18; c.837del, p.Asn280fs (NM_001363722.2, NM_001367271.1, NM_001367272.1); short protein forms N280fs, N353fs.
Identifiers: ClinVar variation 225048 (VCV000225048.63), dbSNP rs749272546, ClinGen allele CA358088.

ClinVar aggregate classification (germline): Pathogenic. Review status: criteria provided, multiple submitters, no conflicts (2 of 4 stars). 15 submissions from 15 submitters: Pathogenic (12). 3 of the submissions do not count toward it. Last evaluated 2026-01-28.

Conditions:
LMBRD1-related disorder. Also called: LMBRD1-related condition.
Inborn genetic diseases. Identifiers: MedGen C0950123, MeSH D030342.
Disorders of Intracellular Cobalamin Metabolism. Identifiers: MedGen CN043592.
Cobalamin C disease. Also called: Cobalamin-C methylmalonic acidemia and homocystinuria; Methylmalonic acidemia and homocystinuria cblC type; methylmalonic aciduria and homocystinuria type cblC; Methylmalonic aciduria and homocystinuria, Vitamin B12-responsive; Vitamin B12 metabolic defect with combined deficiency of methylmalonyl-CoA mutase and homocysteine:methyltetrahydrofolate methyltransferase; Methylmalonic aciduria with homocystinuria cblC type. Identifiers: Orphanet 26, Orphanet 79282, MedGen C1848561, MONDO:0010184, OMIM 277400.
Methylmalonic aciduria and homocystinuria type cblF. Also called: METHYLMALONIC ACIDEMIA AND HOMOCYSTINURIA, cblF TYPE; METHYLMALONIC ACIDURIA DUE TO VITAMIN B12-RELEASE DEFECT; VITAMIN B12 LYSOSOMAL RELEASE DEFECT; VITAMIN B12 STORAGE DISEASE; COBALAMIN F DISEASE; COBALAMIN, DEFECT IN LYSOSOMAL RELEASE OF. Identifiers: Orphanet 79284, MedGen C1848578, MONDO:0010183, OMIM 277380.

Allele frequency attached by ClinVar (database versions not stated): TOPMed 0.00040; gnomAD exomes 0.00046 and 0.00063; ExAC 0.00053; gnomAD 0.00060 and 0.00062; ESP Exome Variant Server 0.00072.

Submissions (15):

Labcorp Genetics (formerly Invitae), Labcorp
Classification: Pathogenic for Methylmalonic aciduria and homocystinuria type cblF. Last evaluated: 2026-01-28. Review status: criteria provided, single submitter. Criteria: Invitae Variant Classification Sherloc (09022015). Collection method: clinical testing. Allele origin: germline.
Comment: This sequence change creates a premature translational stop signal (p.Asn353Ilefs*18) in the LMBRD1 gene. It is expected to result in an absent or disrupted protein product. Loss-of-function variants in LMBRD1 are known to be pathogenic (PMID: 19136951, 21303734). This variant is present in population databases (rs749272546, gnomAD 0.09%), and has an allele count higher than expected for a pathogenic variant. This premature translational stop signal has been observed in individuals with Cobalamin F (cblF) deficiency (PMID: 19136951, 21303734, 23776111, 26997947). It is commonly reported in individuals of European ancestry (PMID: 19136951). ClinVar contains an entry for this variant (Variation ID: 225048). For these reasons, this variant has been classified as Pathogenic.

Mayo Clinic Laboratories, Mayo Clinic
Classification: Pathogenic. Last evaluated: 2025-04-09. Review status: criteria provided, single submitter. Criteria: ACMG Guidelines, 2015. Collection method: clinical testing. Allele origin: germline. Observed: 2 variant alleles.
Comment: PM2_supporting, PM3, PS4_moderate, PVS1

Blueprint Genetics
Classification: Pathogenic for LMBRD1-related disorders. Last evaluated: 2024-11-13. Review status: criteria provided, single submitter. Criteria: ACMG Guidelines, 2015. Collection method: clinical testing. Allele origin: germline. Affected: yes. Observed: 5 variant alleles.

Fulgent Genetics
Classification: Pathogenic for Methylmalonic aciduria and homocystinuria type cblF. Last evaluated: 2024-01-05. Review status: criteria provided, single submitter. Criteria: ACMG Guidelines, 2015. Collection method: clinical testing. Allele origin: germline.

Department of Pathology and Laboratory Medicine, Sinai Health System
Classification: Pathogenic for Methylmalonic aciduria and homocystinuria type cblF. Last evaluated: 2022-12-13. Review status: criteria provided, single submitter. Criteria: ACMG Guidelines, 2015. Collection method: research. Allele origin: germline.

Women's Health and Genetics/Laboratory Corporation of America, LabCorp
Classification: Pathogenic for Cobalamin C disease. Last evaluated: 2022-12-08. Review status: criteria provided, single submitter. Criteria: LabCorp Variant Classification Summary - May 2015. Collection method: clinical testing. Allele origin: germline.
Comment: Variant summary: LMBRD1 c.1056delG (p.Asn353IlefsX18) results in a premature termination codon, predicted to cause a truncation of the encoded protein or absence of the protein due to nonsense mediated decay, which are commonly known mechanisms for disease. Truncations downstream of this position have been classified as pathogenic in ClinVar and is associated with Methylmalonic aciduria & homocystinuria in HGMD. The variant allele was found at a frequency of 0.00046 in 248514 control chromosomes (gnomAD). This frequency is not higher than expected for a pathogenic variant in LMBRD1 causing Methylmalonic Acidemia With Homocystinuria (0.00046 vs 0.00079), allowing no conclusion about variant significance. c.1056delG has been reported in the literature in multiple homozygous and compound heterozygous individuals affected with Methylmalonic Acidemia With Homocystinuria and the variant segregated with disease (examples: Rutsch_2009 and Miousse_2011). These data indicate that the variant is very likely to be associated with disease. At least one publication reports experimental evidence evaluating an impact on protein function. The most pronounced variant effect results in <10% of normal activity (Rutsch_2009). Seven clinical diagnostic laboratories have submitted clinical-significance assessments for this variant to ClinVar after 2014 and all classified the variant as pathogenic. Based on the evidence outlined above, the variant was classified as pathogenic.

Revvity Omics, Revvity
Classification: Pathogenic for Methylmalonic aciduria and homocystinuria type cblF. Last evaluated: 2022-09-27. Review status: criteria provided, single submitter. Criteria: ACMG Guidelines, 2015. Collection method: clinical testing. Allele origin: germline.

GeneDx
Classification: Pathogenic. Last evaluated: 2021-12-21. Review status: criteria provided, single submitter. Criteria: GeneDx Variant Classification Process June 2021. Collection method: clinical testing. Allele origin: germline. Affected: yes.
Comment: Frameshift variant predicted to result in protein truncation or nonsense mediated decay in a gene for which loss-of-function is a known mechanism of disease; This variant is associated with the following publications: (PMID: 24664876, 22065268, 19136951, 26997947, 23776111, 20127417, 21303734, 25533962, 31589614)

CeGaT Center for Human Genetics Tuebingen
Classification: Pathogenic. Last evaluated: 2021-11-01. Review status: criteria provided, single submitter. Criteria: CeGaT Center For Human Genetics Tuebingen Variant Classification Criteria Version 2. Collection method: clinical testing. Allele origin: germline. Affected: yes. Observed: 3 variant alleles.

Illumina Laboratory Services, Illumina
Classification: Pathogenic for Methylmalonic aciduria and homocystinuria type cblF. Last evaluated: 2017-10-24. Review status: criteria provided, single submitter. Criteria: ICSL Variant Classification Criteria 09 May 2019. Collection method: clinical testing. Allele origin: germline.
Comment: The LMBRD1 c.1056delG (p.Asn353IlefsTer18) variant results in a frameshift and is predicted to result in premature termination of the protein. Across a selection of the available literature, the p.Asn353IlefsTer18 variant has been identified in 11 individuals with disorders of intracellular cobalamin metabolism, including in a homozygous state in eight and in a compound heterozygous state in three (Rutsch et al. 2009; Miousse et al. 2011; Constantinou et al. 2016). An additional deceased proband with cobalamin deficiency was found to carry the p.Asn353IlefsTer18 variant and a second variant in the MTR gene, suggesting the possibility of digenic inheritance (Farwell Gonzalez et al. 2015). Phenotypic symptoms cover a wide range of symptoms including failure to thrive, neutropenia, developmental delay, stomatitis, megaloblastic anemia, and feeding difficulties; however, some patients may show asymptomatic long-term survival (Rutsch et al. 2009). Control data are unavailable for this variant, which is reported at a frequency of 0.00109 in the European American population of the Exome Sequencing Project. Transfection of immortalized fibroblasts from a compound heterozygous proband and a homozygous proband with wildtype LMBD1 was able to rescue the biochemical intracellular cobalamin pathway F (cblF) phenotype (Rutsch et al. 2009). Based on the collective evidence and the potential impact of frameshift variants, the p.Asn353IlefsTer18 variant is classified as pathogenic for disorders of intracellular cobalamin metabolism. This variant was observed by ICSL as part of a predisposition screen in an ostensibly healthy population.

Center for Pediatric Genomic Medicine, Children's Mercy Hospital and Clinics
Classification: Pathogenic. Last evaluated: 2017-08-30. Review status: criteria provided, single submitter. Criteria: ACMG Guidelines, 2015. Collection method: clinical testing. Allele origin: germline.

Ambry Genetics
Classification: Pathogenic for Inborn genetic diseases. Last evaluated: 2013-11-06. Review status: criteria provided, single submitter. Criteria: Ambry Autosomal Dominant and X-Linked criteria (10/2015). Collection method: clinical testing. Allele origin: germline. Observed: 1 variant allele.

PreventionGenetics, part of Exact Sciences
Classification: Pathogenic for LMBRD1-related condition. Last evaluated: 2024-05-13. Review status: no assertion criteria provided. Collection method: clinical testing. Allele origin: germline. Not counted in ClinVar's aggregate classification.
Comment: The LMBRD1 c.1056delG variant is predicted to result in a frameshift and premature protein termination (p.Asn353Ilefs*18). This is one of the most commonly reported pathogenic variants in the LMBRD1 gene. It has been reported in both the homozygous and compound heterozygous states in cellularly confirmed methylmalonic acidemia and homocystinuria cblF type patients (e.g., Rutsch et al. 2009. PubMed ID: 19136951; Armour et al. 2013. PubMed ID: 23776111; Miousse et al. 2011. PubMed ID: 21303734). This variant is reported in 0.087% of alleles in individuals of European (Non-Finnish) descent in gnomAD. Frameshift variants in LMBRD1 are expected to be pathogenic. This variant is interpreted as pathogenic.

OMIM
Classification: Pathogenic for METHYLMALONIC ACIDURIA AND HOMOCYSTINURIA, cblF TYPE. Last evaluated: 2009-02-01. Review status: no assertion criteria provided. Collection method: literature only. Allele origin: germline. Not counted in ClinVar's aggregate classification.

GeneReviews
No classification provided. Condition: Disorders of Intracellular Cobalamin Metabolism. Review status: no classification provided. Collection method: literature only. Allele origin: germline. Not counted in ClinVar's aggregate classification.

Literature cited by the submitters: PubMed 19136951 (cited by 6 submitters); PubMed 21303734 (cited by 4 submitters); PubMed 23776111 (cited by Labcorp Genetics (formerly Invitae), Labcorp and Mayo Clinic Laboratories, Mayo Clinic); PubMed 26997947 (cited by 3 submitters); PubMed 31589614 (cited by Mayo Clinic Laboratories, Mayo Clinic); PubMed 24664876 (cited by Illumina Laboratory Services, Illumina).